The following is an entry in ClinVar:

ClinVar aggregate classification (germline): Uncertain significance. Review status: criteria provided, multiple submitters, no conflicts (2 of 4 stars). 2 submissions from 2 submitters: Uncertain significance (2). Last evaluated 2025-11-20.

Conditions:
Cardiovascular phenotype. Identifiers: MedGen CN230736.

gnomAD v4.1: 2 of 1,614,184 alleles (0.00012%); highest among the groups gnomAD compares: East Asian, 0.0022%; no homozygotes.

Submissions (2):

Ambry Genetics
Classification: Uncertain significance for Cardiovascular phenotype. Last evaluated: 2025-11-20. Review status: criteria provided, single submitter. Criteria: Ambry Variant Classification Scheme 2023. Collection method: clinical testing. Allele origin: germline.
Comment: The p.Y364C variant (also known as c.1091A>G), located in coding exon 7 of the SPRED1 gene, results from an A to G substitution at nucleotide position 1091. The tyrosine at codon 364 is replaced by cysteine, an amino acid with highly dissimilar properties. This amino acid position is conserved. In addition, the in silico prediction for this alteration is inconclusive. Based on the available evidence, the clinical significance of this variant remains unclear.

GeneDx
Classification: Uncertain significance. Last evaluated: 2024-06-04. Review status: criteria provided, single submitter. Criteria: GeneDx Variant Classification Process June 2021. Collection method: clinical testing. Allele origin: germline. Affected: yes.
Comment: Not observed at significant frequency in large population cohorts (gnomAD); In silico analysis supports that this missense variant has a deleterious effect on protein structure/function; Has not been previously published as pathogenic or benign to our knowledge

NM_152594.3(SPRED1):c.1091A>G (p.Tyr364Cys)

Gene: SPRED1 (sprouty related EVH1 domain containing 1; plus strand). Cytogenetic location: 15q14.
Variant type: single nucleotide variant.
Coding change: c.1091A>G on transcript NM_152594.3 (MANE Select); coding-DNA position 1091, A replaced by G.
Protein change: p.Tyr364Cys; replaces tyrosine 364 with cysteine.
Molecular consequence: missense variant.
Genome position (GRCh38, 1-based): chr15:38,351,420, A>G. VCF-style: chr15-38351420-A-G. GRCh37 (hg19) VCF-style: chr15-38643621-A-G.
Other names: short protein forms Y364C.
Identifiers: ClinVar variation 3384512 (VCV003384512.2).